The following is an entry in ClinVar:

NM_144991.3(TSPEAR):c.1786G>A (p.Glu596Lys)

Gene: TSPEAR (thrombospondin type laminin G domain and EAR repeats; minus strand). Cytogenetic location: 21q22.3.
Variant type: single nucleotide variant.
Coding change: c.1786G>A on transcript NM_144991.3 (MANE Select); coding-DNA position 1786, G replaced by A.
Protein change: p.Glu596Lys; replaces glutamic acid 596 with lysine.
Molecular consequence: missense variant.
Genome position (GRCh38, 1-based): chr21:44,504,850, C>T on the plus strand (G>A on the coding strand, the complement: TSPEAR is on the minus strand). VCF-style: chr21-44504850-C-T. GRCh37 (hg19) VCF-style: chr21-45924733-C-T.
Other names: c.1582G>A, p.Glu528Lys (NM_001272037.2); short protein forms E596K, E528K.
Identifiers: ClinVar variation 229373 (VCV000229373.7), dbSNP rs782790512, ClinGen allele CA10056327.

ClinVar aggregate classification (germline): Uncertain significance. Review status: criteria provided, multiple submitters, no conflicts (2 of 4 stars). 3 submissions from 3 submitters: Uncertain significance (3). Last evaluated 2025-06-09.

Conditions:
Inborn genetic diseases. Identifiers: MedGen C0950123, MeSH D030342.

Allele frequency attached by ClinVar (database versions not stated): gnomAD exomes 0.00001 and 0.00006; ExAC 0.00004; TOPMed 0.00004; gnomAD 0.00001.
gnomAD v4.1: 15 of 1,613,624 alleles (0.00093%); highest among the groups gnomAD compares: Admixed American, 0.02%; no homozygotes.

Submissions (3):

GeneDx
Classification: Uncertain significance. Last evaluated: 2025-06-09. Review status: criteria provided, single submitter. Criteria: GeneDx Variant Classification Process June 2021. Collection method: clinical testing. Allele origin: germline. Affected: yes.
Comment: In silico analysis suggests that this missense variant does not alter protein structure/function; Has not been previously published as pathogenic or benign to our knowledge

Ambry Genetics
Classification: Uncertain significance for Inborn genetic diseases. Last evaluated: 2024-11-09. Review status: criteria provided, single submitter. Criteria: Ambry Variant Classification Scheme 2023. Collection method: clinical testing. Allele origin: germline.

Laboratory for Molecular Medicine, Mass General Brigham Personalized Medicine
Classification: Uncertain significance. Last evaluated: 2015-07-30. Review status: criteria provided, single submitter. Criteria: LMM Criteria. Collection method: clinical testing. Allele origin: germline. Observed: 1 variant allele.
Comment: The p.Glu596Lys variant in TSPEAR has not been previously reported in individual s with hearing loss, but has been identified in 4/11548 of Latino chromosomes by the Exome Aggregation Consortium (ExAC). Althou gh this variant has been seen in the general population, its frequency is not hi gh enough to rule out a pathogenic role. Computational prediction tools and cons ervation analyses suggest that the p.Glu596Lys variant may impact the protein, t hough this information is not predictive enough to determine pathogenicity. In s ummary, the clinical significance of the p.Glu596Lys variant is uncertain.